The following is an entry in ClinVar:

ClinVar aggregate classification (germline): Pathogenic (1 of 4 stars; one submission).

Conditions:
Sessile serrated polyposis cancer syndrome (SSPCS). Identifiers: Orphanet 157798, MedGen C4310714, MONDO:0014919, OMIM 617108.

Submission:

Myriad Genetics, Inc.
Classification: Pathogenic for Sessile serrated polyposis cancer syndrome. Last evaluated: 2025-12-15. Review status: criteria provided, single submitter. Criteria: Myriad Autosomal Dominant, Autosomal Recessive and X-Linked Classification Criteria (2023). Collection method: clinical testing. Allele origin: unknown.
Comment: This variant is considered pathogenic. This variant creates a frameshift predicted to result in premature protein truncation.

NM_017763.6(RNF43):c.1434_1435insTCCAGTGTCT (p.Val479fs)

Gene: RNF43 (ring finger protein 43; minus strand). Cytogenetic location: 17q22.
Variant type: Insertion.
Coding change: c.1434_1435insTCCAGTGTCT on transcript NM_017763.6 (MANE Select); coding-DNA positions 1434 to 1435, TCCAGTGTCT inserted.
Protein change: p.Val479fs; shifts the reading frame from valine 479.
Molecular consequence: frameshift variant.
Genome position: GRCh38 VCF-style: chr17-58358341-C-CAGACACTGGA. GRCh37 (hg19) VCF-style: chr17-56435702-C-CAGACACTGGA.
Other names: c.1434_1435insTCCAGTGTCT, p.Val479fs (NM_001305544.3, NM_001438820.1, NM_001438821.1 and 1 more transcripts); c.1053_1054insTCCAGTGTCT, p.Val352fs (NM_001305545.2, NM_001437987.1); short protein forms V352fs, V479fs.
Identifiers: ClinVar variation 4812960 (VCV004812960.1).